The following is an entry in ClinVar:

ClinVar aggregate classification (germline): Pathogenic (1 of 4 stars; one submission).

Conditions:
Saldino-Mainzer syndrome (SRTD9). Also called: CONORENAL SYNDROME; Renal dysplasia, retinal pigmentary dystrophy, cerebellar ataxia and skeletal dysplasia; SHORT-RIB THORACIC DYSPLASIA 9 WITHOUT POLYDACTYLY; short-rib thoracic dysplasia 9 with or without polydactyly. Identifiers: Orphanet 140969, MedGen C1849437, MONDO:0009964, OMIM 266920.

Submission:

Labcorp Genetics (formerly Invitae), Labcorp
Classification: Pathogenic for Saldino-Mainzer syndrome. Last evaluated: 2025-08-27. Review status: criteria provided, single submitter. Criteria: Invitae Variant Classification Sherloc (09022015). Collection method: clinical testing. Allele origin: germline.
Comment: This sequence change creates a premature translational stop signal (p.Lys926Serfs*24) in the IFT140 gene. It is expected to result in an absent or disrupted protein product. Loss-of-function variants in IFT140 are known to be pathogenic (PMID: 22503633, 23418020, 24009529, 26216056). This variant is not present in population databases (gnomAD no frequency). This variant has not been reported in the literature in individuals affected with IFT140-related conditions. For these reasons, this variant has been classified as Pathogenic.

Literature cited by the submitters: PubMed 22503633; PubMed 23418020; PubMed 24009529; PubMed 26216056.

NM_014714.4(IFT140):c.2777del (p.Lys926fs)

Genes: IFT140 (intraflagellar transport 140; minus strand), LOC126862260 (CDK7 strongly-dependent group 2 enhancer GRCh37_chr16:1574508-1575707; plus strand). Cytogenetic location: 16p13.3.
Variant type: Deletion.
Coding change: c.2777del on transcript NM_014714.4 (MANE Select); coding-DNA position 2777, one base deleted (A; older notation c.2777delA).
Protein change: p.Lys926fs; shifts the reading frame from lysine 926.
Molecular consequence: frameshift variant.
Genome position (GRCh38, 1-based): chr16:1,525,318, T deleted on the plus strand (A on the coding strand, the reverse complement: IFT140 is on the minus strand); the first of 2 consecutive T bases (chr16:1,525,318-1,525,319); deleting either gives the same sequence. VCF-style (leftmost placement, unchanged base first): chr16-1525317-CT-C. GRCh37 (hg19) VCF-style: chr16-1575318-CT-C.
Other names: short protein forms K926fs.
Identifiers: ClinVar variation 4723754 (VCV004723754.1).